The following continues an entry in ClinVar:

NM_000016.6(ACADM):c.797A>G (p.Asp266Gly)

Gene: ACADM. ClinVar aggregate classification (germline): Pathogenic/Likely pathogenic. Pathogenic (11); Likely pathogenic (5).

Submissions 9 to 16 of 16:

ARUP Laboratories, Molecular Genetics and Genomics, ARUP Laboratories
Classification: Pathogenic for Medium-chain acyl-coenzyme A dehydrogenase deficiency. Last evaluated: 2024-08-27. Review status: criteria provided, single submitter. Criteria: ARUP Molecular Germline Variant Investigation Process 2024. Collection method: clinical testing. Allele origin: germline.
Comment: The ACADM c.797A>G; p.Asp266Gly variant (rs201375579) is reported in the literature in multiple individuals with a diagnosis or suspicion of medium-chain acyl-CoA dehydrogenase deficiency that also carried a second pathogenic variant (Anderson 2020, Hsu 2008, Maier 2005, Weiss 2023). The p.Asp266Gly variant is found in the general population with an overall allele frequency of 0.03% (80/251,388 alleles) in the Genome Aggregation Database (v2.1.1). Computational analyses predict that this variant is deleterious (REVEL: 0.733). Consistent with predictions, functional studies indicate the variant protein has reduced stability and decreased activity relative to wildtype ACADM (Jank 2014, Maier 2009). Based on available information, this variant is considered to be pathogenic. References: Anderson DR et al. Clinical and biochemical outcomes of patients with medium-chain acyl-CoA dehydrogenase deficiency. Mol Genet Metab. 2020 Jan;129(1):13-19. PMID: 31836396. Hsu HW et al. Spectrum of medium-chain acyl-CoA dehydrogenase deficiency detected by newborn screening. Pediatrics. 2008 May;121(5):e1108-14. PMID: 18450854. Jank JM et al. The domain-specific and temperature-dependent protein misfolding phenotype of variant medium-chain acyl-CoA dehydrogenase. PLoS One. 2014 Apr 9;9(4):e93852. PMID: 24718418. Maier EM et al. Population spectrum of ACADM genotypes correlated to biochemical phenotypes in newborn screening for medium-chain acyl-CoA dehydrogenase deficiency. Hum Mutat. 2005 May;25(5):443-52. PMID: 15832312. Maier EM et al. Protein misfolding is the molecular mechanism underlying MCADD identified in newborn screening. Hum Mol Genet. 2009 May 1;18(9):1612-23. PMID: 19224950. Weiss KJ et al. Free carnitine concentrations and biochemical parameters in medium-chain acyl-CoA dehydrogenase deficiency: Genotype-phenotype correlation. Clin Genet. 2023 Jun;103(6):644-654. PMID: 36840705.

GeneDx
Classification: Pathogenic. Last evaluated: 2024-05-29. Review status: criteria provided, single submitter. Criteria: GeneDx Variant Classification Process June 2021. Collection method: clinical testing. Allele origin: germline. Affected: yes.
Comment: Published functional studies demonstrate a damaging effect including reduced residual enzyme activity compared to wildtype and protein misfolding similar to the classic p.(K329E) pathogenic variant (PMID: 19224950, 24718418); In silico analysis supports that this missense variant has a deleterious effect on protein structure/function; This variant is associated with the following publications: (PMID: 27477829, 31980526, 25087612, 24718418, 15832312, 22542437, 28492532, 20434380, 19780764, 32778825, 31589614, 33580884, 36840705, 19224950)

Baylor Genetics
Classification: Pathogenic for Medium-chain acyl-coenzyme A dehydrogenase deficiency. Last evaluated: 2024-03-27. Review status: criteria provided, single submitter. Criteria: ACMG Guidelines, 2015. Collection method: clinical testing. Allele origin: unknown.

Department of Pathology and Laboratory Medicine, Sinai Health System
Classification: Pathogenic for Medium-chain acyl-coenzyme A dehydrogenase deficiency. Last evaluated: 2023-01-11. Review status: criteria provided, single submitter. Criteria: ACMG Guidelines, 2015. Collection method: research. Allele origin: germline.

Quest Diagnostics Nichols Institute San Juan Capistrano
Classification: Likely pathogenic. Last evaluated: 2019-01-09. Review status: criteria provided, single submitter. Criteria: Quest Diagnostics criteria. Collection method: clinical testing. Allele origin: unknown.
Comment: The variant has been reported along with a known ACADM pathogenic variant in newborns with medium chain acyl-CoA dehydrogenase (MCAD) deficiency in the published literature (PMIDs: 15832312 (2005), 19780764 (2009), 20434380 (2010), 22542437 (2012), and 27477829 (2016)). However, the biochemical effect of this variant on individuals varies and is not clear (PMID: 20434380 (2010)). Functional studies have reported that this variant results in enzyme misfolding and partial reduction of its activity (48% of wild type) (PMIDs: 19224950 (2009) and 24718418 (2014)). Analysis of this variant using bioinformatics tools for the prediction of the effect of amino acid changes on protein structure and function yielded conflicting predictions that this variant is disease causing or benign.

Molecular Diagnostics Laboratory, M Health Fairview: University of Minnesota
Classification: Likely pathogenic for Medium-chain acyl-coenzyme A dehydrogenase deficiency. Last evaluated: 2018-12-04. Review status: criteria provided, single submitter. Criteria: ACMG Guidelines, 2015. Collection method: clinical testing. Allele origin: germline. Affected: yes. Observed: 1 variant allele.

Fulgent Genetics
Classification: Likely pathogenic for Medium-chain acyl-coenzyme A dehydrogenase deficiency. Last evaluated: 2018-10-31. Review status: criteria provided, single submitter. Criteria: ACMG Guidelines, 2015. Collection method: clinical testing. Allele origin: unknown.

Equipe Genetique des Anomalies du Developpement, Université de Bourgogne
Classification: Likely pathogenic for Epileptic spasm. Review status: criteria provided, single submitter. Criteria: ACMG Guidelines, 2015. Collection method: clinical testing. Allele origin: paternal. Affected: yes.

Literature cited by the submitters: PubMed 19224950 (cited by 5 submitters); PubMed 24718418 (cited by 6 submitters); PubMed 19780764 (cited by 4 submitters); PubMed 22542437 (cited by 4 submitters); PubMed 18450854 (cited by 3 submitters); PubMed 20434380 (cited by Women's Health and Genetics/Laboratory Corporation of America, LabCorp and Quest Diagnostics Nichols Institute San Juan Capistrano); PubMed 15832312 (cited by 5 submitters); PubMed 33580884 (cited by Women's Health and Genetics/Laboratory Corporation of America, LabCorp); PubMed 23798014 (cited by Women's Health and Genetics/Laboratory Corporation of America, LabCorp); PubMed 31836396 (cited by Women's Health and Genetics/Laboratory Corporation of America, LabCorp); PubMed 36840705 (cited by Women's Health and Genetics/Laboratory Corporation of America, LabCorp and Variantyx, Inc.); PubMed 16763904 (cited by Quest Diagnostics Nichols Institute San Juan Capistrano); PubMed 18836889 (cited by Quest Diagnostics Nichols Institute San Juan Capistrano); PubMed 25087612 (cited by Quest Diagnostics Nichols Institute San Juan Capistrano); PubMed 27477829 (cited by Quest Diagnostics Nichols Institute San Juan Capistrano).